The following is an entry in ClinVar:

ClinVar aggregate classification (germline): Uncertain significance. Review status: criteria provided, multiple submitters, no conflicts (2 of 4 stars). 2 submissions from 2 submitters: Uncertain significance (2). Last evaluated 2025-04-03.

Conditions:
Hereditary cancer-predisposing syndrome. Also called: Tumor predisposition; Hereditary neoplastic syndrome; Neoplastic Syndromes, Hereditary; Hereditary Cancer Syndrome. Identifiers: Orphanet 140162, MedGen C0027672, MeSH D009386, MONDO:0015356.

Submissions (2):

Ambry Genetics
Classification: Uncertain significance for Hereditary cancer-predisposing syndrome. Last evaluated: 2025-04-03. Review status: criteria provided, single submitter. Criteria: Ambry Variant Classification Scheme 2023. Collection method: clinical testing. Allele origin: germline.
Comment: The p.C2224Y variant (also known as c.6671G>A), located in coding exon 48 of the POLE gene, results from a G to A substitution at nucleotide position 6671. The cysteine at codon 2224 is replaced by tyrosine, an amino acid with highly dissimilar properties. This amino acid position is highly conserved in available vertebrate species. In addition, this alteration is predicted to be deleterious by in silico analysis. Based on the available evidence, the clinical significance of this variant remains unclear.

Labcorp Genetics (formerly Invitae), Labcorp
Classification: Uncertain significance. Last evaluated: 2024-07-11. Review status: criteria provided, single submitter. Criteria: Invitae Variant Classification Sherloc (09022015). Collection method: clinical testing. Allele origin: germline.
Comment: This sequence change replaces cysteine, which is neutral and slightly polar, with tyrosine, which is neutral and polar, at codon 2224 of the POLE protein (p.Cys2224Tyr). This variant is not present in population databases (gnomAD no frequency). This variant has not been reported in the literature in individuals affected with POLE-related conditions. ClinVar contains an entry for this variant (Variation ID: 950550). Advanced modeling of protein sequence and biophysical properties (such as structural, functional, and spatial information, amino acid conservation, physicochemical variation, residue mobility, and thermodynamic stability) performed at Invitae indicates that this missense variant is expected to disrupt POLE protein function with a positive predictive value of 80%. In summary, the available evidence is currently insufficient to determine the role of this variant in disease. Therefore, it has been classified as a Variant of Uncertain Significance.

NM_006231.4(POLE):c.6671G>A (p.Cys2224Tyr)

Gene: POLE (DNA polymerase epsilon, catalytic subunit; minus strand). Cytogenetic location: 12q24.33.
Variant type: single nucleotide variant.
Coding change: c.6671G>A on transcript NM_006231.4 (MANE Select); coding-DNA position 6671, G replaced by A.
Protein change: p.Cys2224Tyr; replaces cysteine 2224 with tyrosine.
Molecular consequence: missense variant.
Genome position (GRCh38, 1-based): chr12:132,624,981, C>T on the plus strand (G>A on the coding strand, the complement: POLE is on the minus strand). VCF-style: chr12-132624981-C-T. GRCh37 (hg19) VCF-style: chr12-133201567-C-T.
Other names: c.6671G>A (NM_006231.2); short protein forms C2224Y.
Identifiers: ClinVar variation 950550 (VCV000950550.10), dbSNP rs2041802068, ClinGen allele CA387366246.